The following is an entry in ClinVar:

ClinVar aggregate classification (germline): Uncertain significance (1 of 4 stars; one submission).

Submission:

Labcorp Genetics (formerly Invitae), Labcorp
Classification: Uncertain significance. Last evaluated: 2025-12-24. Review status: criteria provided, single submitter. Criteria: Invitae Variant Classification Sherloc (09022015). Collection method: clinical testing. Allele origin: germline.
Comment: This variant results in the deletion of part of exon 7 (c.793-2_798del) of the SLC25A38 gene. While this variant is not anticipated to result in nonsense mediated decay, it likely alters RNA splicing and results in a disrupted protein product. This variant is not present in population databases (gnomAD no frequency). This variant has not been reported in the literature in individuals affected with SLC25A38-related conditions. ClinVar contains an entry for this variant (Variation ID: 1950888). Variants that disrupt the consensus splice site are a relatively common cause of aberrant splicing (PMID: 17576681, 9536098). In summary, the available evidence is currently insufficient to determine the role of this variant in disease. Therefore, it has been classified as a Variant of Uncertain Significance.

Literature cited by the submitters: PubMed 17576681; PubMed 9536098.

NM_017875.4(SLC25A38):c.793-2_798del

Gene: SLC25A38 (solute carrier family 25 member 38; plus strand). Cytogenetic location: 3p22.1.
Variant type: Deletion.
Coding change: c.793-2_798del on transcript NM_017875.4 (MANE Select); the canonical splice acceptor site of the intron before coding-DNA position 793 through coding-DNA position 798, 8 bases deleted (AGGACTAT; older notation c.793-2_798delAGGACTAT).
Molecular consequence: splice acceptor variant.
Genome position (GRCh38, 1-based): chr3:39,396,396-39,396,403, AGGACTAT deleted; deleting any 8 consecutive bases within chr3:39,396,394-39,396,403 gives the same sequence; the c. name uses the placement nearest the transcript's 3' end. VCF-style (leftmost placement, unchanged base first): chr3-39396393-CATAGGACT-C. GRCh37 (hg19) VCF-style: chr3-39437884-CATAGGACT-C.
Other names: c.626-2_631del (NM_001354798.2).
Identifiers: ClinVar variation 1950888 (VCV001950888.5), dbSNP rs2041830810, ClinGen allele CA1358940081.
Genomic context (GRCh38, chr3:39,396,393, plus strand): 5'-CCAAGTGGATAATTAATTGTATTGCTACTTTGCTTCCAGAGTTCTGACATTTATTTTCAC[CATAGGACT>C]ATGGACTACGTGGCTTCTTCCAAGGTGGCATCCCCCGAGCCCTCCGCAGAACTCTAATGG-3'